The following is an entry in ClinVar:

NM_004329.3(BMPR1A):c.1418T>C (p.Val473Ala)

Gene: BMPR1A (bone morphogenetic protein receptor type 1A; plus strand). Cytogenetic location: 10q23.2.
Variant type: single nucleotide variant.
Coding change: c.1418T>C on transcript NM_004329.3 (MANE Select); coding-DNA position 1418, T replaced by C.
Protein change: p.Val473Ala; replaces valine 473 with alanine.
Molecular consequence: missense variant.
Genome position (GRCh38, 1-based): chr10:86,923,451, T>C. VCF-style: chr10-86923451-T-C. GRCh37 (hg19) VCF-style: chr10-88683208-T-C.
Other names: c.1493T>C, p.Val498Ala (NM_001406559.1); c.1466T>C, p.Val489Ala (NM_001406560.1); c.1418T>C, p.Val473Ala (NM_001406561.1, NM_001406562.1, NM_001406563.1 and 19 more transcripts); c.1412T>C, p.Val471Ala (NM_001406583.1); c.1334T>C, p.Val445Ala (NM_001406584.1, NM_001406585.1, NM_001406586.1 and 2 more transcripts); c.1076T>C, p.Val359Ala (NM_001406589.1); short protein forms V471A, V473A, V489A, V359A, V445A, V498A.
Identifiers: ClinVar variation 2125879 (VCV002125879.4), dbSNP rs2133621254, ClinGen allele CA377463021.

ClinVar aggregate classification (germline): Uncertain significance (1 of 4 stars; one submission).

Conditions:
Juvenile polyposis syndrome (JPS). Identifiers: Orphanet 2929, MedGen C0345893, MONDO:0017380, OMIM 174900.

Submission:

Labcorp Genetics (formerly Invitae), Labcorp
Classification: Uncertain significance for Juvenile polyposis syndrome. Last evaluated: 2022-04-13. Review status: criteria provided, single submitter. Criteria: Invitae Variant Classification Sherloc (09022015). Collection method: clinical testing. Allele origin: germline.
Comment: In summary, the available evidence is currently insufficient to determine the role of this variant in disease. Therefore, it has been classified as a Variant of Uncertain Significance. Advanced modeling of protein sequence and biophysical properties (such as structural, functional, and spatial information, amino acid conservation, physicochemical variation, residue mobility, and thermodynamic stability) performed at Invitae indicates that this missense variant is not expected to disrupt BMPR1A protein function. This variant has not been reported in the literature in individuals affected with BMPR1A-related conditions. This variant is not present in population databases (gnomAD no frequency). This sequence change replaces valine, which is neutral and non-polar, with alanine, which is neutral and non-polar, at codon 473 of the BMPR1A protein (p.Val473Ala).